The following is an entry in ClinVar:

ClinVar aggregate classification (germline): Likely pathogenic (1 of 4 stars; one submission).

Conditions:
Developmental and epileptic encephalopathy, 11 (DEE11). Also called: Early infantile epileptic encephalopathy 11. Identifiers: Orphanet 1934, MedGen C3150987, MONDO:0013388, OMIM 613721.

Submission:

Institute of Human Genetics, University of Goettingen
Classification: Likely pathogenic for Developmental and epileptic encephalopathy, 11. Last evaluated: 2024-04-22. Review status: criteria provided, single submitter. Criteria: ACMG Guidelines, 2015. Collection method: clinical testing. Allele origin: germline. Inheritance: Autosomal dominant inheritance. Affected: yes.
Comment: PVS1, PM2

NM_001040142.2(SCN2A):c.4492del (p.Tyr1498fs)

Gene: SCN2A (sodium voltage-gated channel alpha subunit 2; plus strand). Cytogenetic location: 2q24.3.
Variant type: Deletion.
Coding change: c.4492del on transcript NM_001040142.2 (MANE Select); coding-DNA position 4492, one base deleted (T; older notation c.4492delT).
Protein change: p.Tyr1498fs; shifts the reading frame from tyrosine 1498.
Molecular consequence: frameshift variant.
Genome position (GRCh38, 1-based): chr2:165,381,138, T deleted. VCF-style (leftmost placement, unchanged base first): chr2-165381137-CT-C. GRCh37 (hg19) VCF-style: chr2-166237647-CT-C.
Other names: c.4492del, p.Tyr1498fs (NM_001040143.2, NM_001371246.1, NM_001371247.1 and 1 more transcripts); short protein forms Y1498fs.
Identifiers: ClinVar variation 3252080 (VCV003252080.2), dbSNP rs2468129590.